The following is an entry in ClinVar:

ClinVar aggregate classification (germline): Likely benign. Review status: criteria provided, multiple submitters, no conflicts (2 of 4 stars). 4 submissions from 4 submitters: Likely benign (3). 1 of the submissions does not count toward it. Last evaluated 2026-01-15.

Conditions:
Immunodeficiency-centromeric instability-facial anomalies syndrome 2 (ICF2). Identifiers: Orphanet 2268, MedGen C3279748, MONDO:0013553, OMIM 614069.
ZBTB24-related disorder. Also called: ZBTB24-related condition.

Allele frequency attached by ClinVar (database versions not stated): gnomAD exomes 0.00004 and 0.00012; ExAC 0.00017; 1000 Genomes Project 30x 0.00031; 1000 Genomes Project 0.00040; gnomAD 0.00053 and 0.00054; TOPMed 0.00063; ESP Exome Variant Server 0.00115.

Submissions (4):

Labcorp Genetics (formerly Invitae), Labcorp
Classification: Likely benign for Immunodeficiency-centromeric instability-facial anomalies syndrome 2. Last evaluated: 2026-01-15. Review status: criteria provided, single submitter. Criteria: Invitae Variant Classification Sherloc (09022015). Collection method: clinical testing. Allele origin: germline.

Blueprint Genetics
Classification: Likely benign. Last evaluated: 2024-06-04. Review status: criteria provided, single submitter. Criteria: ACMG Guidelines, 2015. Collection method: clinical testing. Allele origin: germline.

Breakthrough Genomics
Classification: Likely benign. Review status: criteria provided, single submitter. Criteria: ACMG Guidelines, 2015. Collection method: not provided. Allele origin: germline. Inheritance: Autosomal recessive inheritance. Affected: yes.

PreventionGenetics, part of Exact Sciences
Classification: Likely benign for ZBTB24-related condition. Last evaluated: 2022-05-31. Review status: no assertion criteria provided. Collection method: clinical testing. Allele origin: germline. Not counted in ClinVar's aggregate classification.
Comment: This variant is classified as likely benign based on ACMG/AMP sequence variant interpretation guidelines (Richards et al. 2015 PMID: 25741868, with internal and published modifications).

NM_014797.3(ZBTB24):c.1707T>A (p.Pro569=)

Gene: ZBTB24 (zinc finger and BTB domain containing 24; minus strand). Cytogenetic location: 6q21.
Variant type: single nucleotide variant.
Coding change: c.1707T>A on transcript NM_014797.3 (MANE Select); coding-DNA position 1707, T replaced by A.
Protein change: p.Pro569=; no amino-acid change (proline 569 retained).
Molecular consequence: synonymous variant.
Genome position (GRCh38, 1-based): chr6:109,466,238, A>T on the plus strand (T>A on the coding strand, the complement: ZBTB24 is on the minus strand). VCF-style: chr6-109466238-A-T. GRCh37 (hg19) VCF-style: chr6-109787441-A-T.
Identifiers: ClinVar variation 770552 (VCV000770552.14), dbSNP rs149379400, ClinGen allele CA3954029.